The following is an entry in ClinVar:

NM_001348800.3(ZBTB20):c.10C>A (p.Arg4=)

Genes: ZBTB20 (zinc finger and BTB domain containing 20; minus strand), ZBTB20-AS1 (ZBTB20 antisense RNA 1; plus strand). Cytogenetic location: 3q13.31.
Variant type: single nucleotide variant.
Coding change: c.10C>A on transcript NM_001348800.3 (MANE Select); coding-DNA position 10, C replaced by A.
Protein change: p.Arg4=; no amino-acid change (arginine 4 retained).
Molecular consequence: synonymous variant. On other transcripts: intron variant (12).
Genome position (GRCh38, 1-based): chr3:114,380,778, G>T on the plus strand (C>A on the coding strand, the complement: ZBTB20 is on the minus strand). VCF-style: chr3-114380778-G-T. GRCh37 (hg19) VCF-style: chr3-114099625-G-T.
Other names: c.10C>A, p.Arg4= (NM_001164342.2, NM_001348803.3, NM_001393393.1 and 1 more transcripts); c.-208-374C>A (NM_015642.7, NM_001348801.3, NM_001348802.3 and 9 more transcripts).
Identifiers: ClinVar variation 4761363 (VCV004761363.1).

ClinVar aggregate classification (germline): Uncertain significance (1 of 4 stars; one submission).

gnomAD v4.1: 1 of 1,510,856 alleles (0.000066%); highest among the groups gnomAD compares: African/African-American, 0.0014%; no homozygotes.

Submission:

Labcorp Genetics (formerly Invitae), Labcorp
Classification: Uncertain significance. Last evaluated: 2025-02-23. Review status: criteria provided, single submitter. Criteria: Invitae Variant Classification Sherloc (09022015). Collection method: clinical testing. Allele origin: germline.
Comment: This sequence change affects codon 4 of the ZBTB20 mRNA. It is a 'silent' change, meaning that it does not change the encoded amino acid sequence of the ZBTB20 protein. It affects a nucleotide within the consensus splice site. This variant is not present in population databases (gnomAD no frequency). This variant has not been reported in the literature in individuals affected with ZBTB20-related conditions. Algorithms developed to predict the effect of sequence changes on RNA splicing suggest that this variant is not likely to affect RNA splicing. In summary, the available evidence is currently insufficient to determine the role of this variant in disease. Therefore, it has been classified as a Variant of Uncertain Significance.